The following is an entry in ClinVar:

ClinVar aggregate classification (germline): Conflicting classifications of pathogenicity. Review status: criteria provided, conflicting classifications (1 of 4 stars). 5 submissions from 4 submitters: Uncertain significance (1); Benign (2); Likely benign (2). Last evaluated 2025-07-22.

Conditions:
Hereditary angioedema type 3 (HAE3). Also called: ESTROGEN-RELATED HAE; ESTROGEN-SENSITIVE HAE; HAE WITH NORMAL C1 INHIBITOR CONCENTRATION AND FUNCTION; ANGIONEUROTIC EDEMA, HEREDITARY, WITH NORMAL C1 INHIBITOR CONCENTRATION AND FUNCTION. Identifiers: Orphanet 100054, MedGen C1857728, MONDO:0012526, OMIM 610618.
Factor XII deficiency disease. Also called: F12 DEFICIENCY; HAF DEFICIENCY; Reduced factor XII activity; Congenital factor XII deficiency. Identifiers: Orphanet 330, MedGen C0015526, MONDO:0009315, OMIM 234000, HP:0004841.

Allele frequency attached by ClinVar (database versions not stated): gnomAD 0.00059 and 0.00063; gnomAD exomes 0.00059 and 0.00099; TOPMed 0.00059; ESP Exome Variant Server 0.00062; ExAC 0.00088.
gnomAD v4.1: 996 of 1,602,648 alleles (0.062%); highest among the groups gnomAD compares: Non-Finnish European, 0.034%; 4 homozygotes.

Submissions (5):

Labcorp Genetics (formerly Invitae), Labcorp
Classification: Benign. Last evaluated: 2025-07-22. Review status: criteria provided, single submitter. Criteria: Invitae Variant Classification Sherloc (09022015). Collection method: clinical testing. Allele origin: germline.

Blueprint Genetics
Classification: Likely benign. Last evaluated: 2024-11-25. Review status: criteria provided, single submitter. Criteria: ACMG Guidelines, 2015. Collection method: clinical testing. Allele origin: germline.

CeGaT Center for Human Genetics Tuebingen
Classification: Likely benign. Last evaluated: 2024-08-01. Review status: criteria provided, single submitter. Criteria: CeGaT Center For Human Genetics Tuebingen Variant Classification Criteria Version 2. Collection method: clinical testing. Allele origin: germline. Affected: yes. Observed: 1 variant allele.
Comment: F12: BP4, BP7

Illumina Laboratory Services, Illumina
Classification: Benign for Hereditary angioedema type 3. Last evaluated: 2018-01-13. Review status: criteria provided, single submitter. Criteria: ICSL Variant Classification Criteria 13 December 2019. Collection method: clinical testing. Allele origin: germline.
Comment: This variant was observed in the ICSL laboratory as part of a predisposition screen in an ostensibly healthy population. It had not been previously curated by ICSL or reported in the Human Gene Mutation Database (HGMD: prior to June 1st, 2018), and was therefore a candidate for classification through an automated scoring system. Utilizing variant allele frequency, disease prevalence and penetrance estimates, and inheritance mode, an automated score was calculated to assess if this variant is too frequent to cause the disease. Based on the score and internal cut-off values, a variant classified as benign is not then subjected to further curation. The score for this variant resulted in a classification of benign for this disease.

Illumina Laboratory Services, Illumina
Classification: Uncertain significance for Factor XII deficiency disease. Last evaluated: 2018-01-13. Review status: criteria provided, single submitter. Criteria: ICSL Variant Classification Criteria 13 December 2019. Collection method: clinical testing. Allele origin: germline.

NM_000505.4(F12):c.1107G>C (p.Ser369=)

Gene: F12 (coagulation factor XII; minus strand). Cytogenetic location: 5q35.3.
Variant type: single nucleotide variant.
Coding change: c.1107G>C on transcript NM_000505.4 (MANE Select); coding-DNA position 1107, G replaced by C.
Protein change: p.Ser369=; no amino-acid change (serine 369 retained).
Molecular consequence: synonymous variant.
Genome position (GRCh38, 1-based): chr5:177,404,002, C>G on the plus strand (G>C on the coding strand, the complement: F12 is on the minus strand). VCF-style: chr5-177404002-C-G. GRCh37 (hg19) VCF-style: chr5-176831003-C-G.
Identifiers: ClinVar variation 352992 (VCV000352992.33), dbSNP rs141473119, ClinGen allele CA3581261.